The following is an entry in ClinVar:

NM_001256545.2(MEGF10):c.1169G>C (p.Gly390Ala)

Gene: MEGF10 (multiple EGF like domains 10; plus strand). Cytogenetic location: 5q23.2.
Variant type: single nucleotide variant.
Coding change: c.1169G>C on transcript NM_001256545.2 (MANE Select); coding-DNA position 1169, G replaced by C.
Protein change: p.Gly390Ala; replaces glycine 390 with alanine.
Molecular consequence: missense variant.
Genome position (GRCh38, 1-based): chr5:127,417,676, G>C. VCF-style: chr5-127417676-G-C. GRCh37 (hg19) VCF-style: chr5-126753368-G-C.
Other names: c.1169G>C, p.Gly390Ala (NM_001308119.2, NM_001308121.2, NM_032446.3); short protein forms G390A.
Identifiers: ClinVar variation 1969824 (VCV001969824.5), dbSNP rs367855324, ClinGen allele CA360727853.

ClinVar aggregate classification (germline): Uncertain significance (1 of 4 stars; one submission).

Conditions:
MEGF10-related myopathy (CMYO10A). Also called: Congenital myopathy 10A, severe variant. Identifiers: Orphanet 439212, MedGen C3280679, MONDO:0013731, OMIM 614399.

Submission:

Labcorp Genetics (formerly Invitae), Labcorp
Classification: Uncertain significance for MEGF10-related myopathy. Last evaluated: 2022-03-23. Review status: criteria provided, single submitter. Criteria: Invitae Variant Classification Sherloc (09022015). Collection method: clinical testing. Allele origin: germline.
Comment: This sequence change replaces glycine, which is neutral and non-polar, with alanine, which is neutral and non-polar, at codon 390 of the MEGF10 protein (p.Gly390Ala). In summary, the available evidence is currently insufficient to determine the role of this variant in disease. Therefore, it has been classified as a Variant of Uncertain Significance. Algorithms developed to predict the effect of missense changes on protein structure and function (SIFT, PolyPhen-2, Align-GVGD) all suggest that this variant is likely to be disruptive. This variant has not been reported in the literature in individuals affected with MEGF10-related conditions. This variant is not present in population databases (gnomAD no frequency).